The following is an entry in ClinVar:

ClinVar aggregate classification (germline): Pathogenic (1 of 4 stars; one submission).

Conditions:
Hypertrophic cardiomyopathy 12. Identifiers: MedGen C2677491, MONDO:0012804, OMIM 612124.
Dilated cardiomyopathy 1M (CMD1M). Identifiers: Orphanet 154, MedGen C1843808, MONDO:0011840, OMIM 607482.

Allele frequency attached by ClinVar (database versions not stated): gnomAD exomes below 0.00001 and 0.00001; ExAC 0.00001.

Submission:

Labcorp Genetics (formerly Invitae), Labcorp
Classification: Pathogenic for Hypertrophic cardiomyopathy 12; Dilated cardiomyopathy 1M. Last evaluated: 2024-04-22. Review status: criteria provided, single submitter. Criteria: Invitae Variant Classification Sherloc (09022015). Collection method: clinical testing. Allele origin: germline.
Comment: This sequence change results in a frameshift in the CSRP3 gene (p.Tyr18Thrfs*190). While this is not anticipated to result in nonsense mediated decay, it is expected to disrupt the last 177 amino acid(s) of the CSRP3 protein and extend the protein by 12 additional amino acid residues. This variant is present in population databases (rs759305806, gnomAD 0.02%). This variant has not been reported in the literature in individuals affected with CSRP3-related conditions. ClinVar contains an entry for this variant (Variation ID: 655718). This variant disrupts a region of the CSRP3 protein in which other variant(s) (p.Cys150Tyr) have been determined to be pathogenic (PMID: 23396983, 25351510, 33035702). This suggests that this is a clinically significant region of the protein, and that variants that disrupt it are likely to be disease-causing. For these reasons, this variant has been classified as Pathogenic.

Literature cited by the submitters: PubMed 23396983; PubMed 25351510; PubMed 33035702.

NM_003476.5(CSRP3):c.52del (p.Tyr18fs)

Gene: CSRP3 (cysteine and glycine rich protein 3; minus strand). Cytogenetic location: 11p15.1.
Variant type: Deletion.
Coding change: c.52del on transcript NM_003476.5 (MANE Select); coding-DNA position 52, one base deleted (T; older notation c.52delT).
Protein change: p.Tyr18fs; shifts the reading frame from tyrosine 18.
Molecular consequence: frameshift variant.
Genome position (GRCh38, 1-based): chr11:19,192,397, A deleted on the plus strand (T on the coding strand, the reverse complement: CSRP3 is on the minus strand). VCF-style (leftmost placement, unchanged base first): chr11-19192396-TA-T. GRCh37 (hg19) VCF-style: chr11-19213943-TA-T.
Other names: c.52del, p.Tyr18fs (NM_001369404.1); short protein forms Y18fs.
Identifiers: ClinVar variation 655718 (VCV000655718.6), dbSNP rs759305806, ClinGen allele CA5916679.
Genomic context (GRCh38, chr11:19,192,396, plus strand): 5'-CTGCAGTGGAAACACGTCTTGTGGAAACTCCTTCCATTGCACTGGATTTCTTCTGCATGG[TA>T]GACGGTCTTTTCACAGGCTCCACATTTTGCGCCTCCGCCCCAGTTTGGCATCTTGAAGAC-3'